The following is an entry in ClinVar:

NM_144687.4(NLRP12):c.2228A>G (p.Lys743Arg)

Gene: NLRP12 (NLR family pyrin domain containing 12; minus strand). Cytogenetic location: 19q13.42.
Variant type: single nucleotide variant.
Coding change: c.2228A>G on transcript NM_144687.4 (MANE Select); coding-DNA position 2228, A replaced by G.
Protein change: p.Lys743Arg; replaces lysine 743 with arginine.
Molecular consequence: missense variant.
Genome position (GRCh38, 1-based): chr19:53,807,510, T>C on the plus strand (A>G on the coding strand, the complement: NLRP12 is on the minus strand). VCF-style: chr19-53807510-T-C. GRCh37 (hg19) VCF-style: chr19-54310764-T-C.
Other names: c.2228A>G (NM_144687.2); c.2231A>G, p.Lys744Arg (NM_001277126.2); c.2228A>G, p.Lys743Arg (NM_001277129.1); short protein forms K743R, K744R.
Identifiers: ClinVar variation 2630139 (VCV002630139.4), dbSNP rs1600700129, ClinGen allele CA407411164.
Genomic context (GRCh38, chr19:53,807,510, plus strand): 5'-CCACGGTGGGGACCACCTGAAACGCCCAGACCAGCCTGCACTCACCTCAGGTTCTGAAGT[T>C]TGCAGTTGGGGTGTCTGAGTCCTTGACAGAGCAGCTTCACCCCCCGGCTGCCCAGGGCAT-3'
Protein context (NP_653288.1, residues 733-753): LCQGLRHPNC[Lys743Arg]LQNLRLKRCR

ClinVar aggregate classification (germline): Uncertain significance. Review status: criteria provided, multiple submitters, no conflicts (2 of 4 stars). 3 submissions from 3 submitters: Uncertain significance (3). Last evaluated 2026-08-03.

Conditions:
Familial cold autoinflammatory syndrome 2 (FCAS2). Identifiers: Orphanet 247868, MedGen C2673198, MONDO:0012724, OMIM 611762.
NLRP12-related disorder. Also called: NLRP12-related conditions; NLRP12-related condition.

Allele frequency attached by ClinVar (database versions not stated): gnomAD exomes 0.00001; TOPMed 0.00001.
gnomAD v4.1: 9 of 1,613,996 alleles (0.00056%); highest among the groups gnomAD compares: Non-Finnish European, 0.00076%; no homozygotes.

Submissions (3):

PreventionGenetics, part of Exact Sciences
Classification: Uncertain significance for NLRP12-related condition. Last evaluated: 2026-08-03. Review status: criteria provided, single submitter. Criteria: ACMG Guidelines, 2015. Collection method: clinical testing. Allele origin: germline.
Comment: The NLRP12 c.2228A>G variant is predicted to result in the amino acid substitution p.Lys743Arg. To our knowledge, this variant has not been reported in the literature or in a large population database, indicating this variant is rare. At this time, the clinical significance of this variant is uncertain due to the absence of conclusive functional and genetic evidence.

Labcorp Genetics (formerly Invitae), Labcorp
Classification: Uncertain significance for Familial cold autoinflammatory syndrome 2. Last evaluated: 2025-10-05. Review status: criteria provided, single submitter. Criteria: Invitae Variant Classification Sherloc (09022015). Collection method: clinical testing. Allele origin: germline.
Comment: This sequence change replaces lysine, which is basic and polar, with arginine, which is basic and polar, at codon 743 of the NLRP12 protein (p.Lys743Arg). This variant is not present in population databases (gnomAD no frequency). This variant has not been reported in the literature in individuals affected with NLRP12-related conditions. ClinVar contains an entry for this variant (Variation ID: 2630139). An algorithm developed to predict the effect of missense changes on protein structure and function outputs the following: PolyPhen-2: "Benign". The arginine amino acid residue is found in multiple mammalian species, which suggests that this missense change does not adversely affect protein function. In summary, the available evidence is currently insufficient to determine the role of this variant in disease. Therefore, it has been classified as a Variant of Uncertain Significance.

GeneDx
Classification: Uncertain significance. Last evaluated: 2024-12-12. Review status: criteria provided, single submitter. Criteria: GeneDx Variant Classification Process June 2021. Collection method: clinical testing. Allele origin: germline. Affected: yes.
Comment: Not observed at significant frequency in large population cohorts (gnomAD); In silico analysis indicates that this missense variant does not alter protein structure/function; Has not been previously published as pathogenic or benign to our knowledge